The following is an entry in ClinVar:

NM_206965.2(FTCD):c.407G>A (p.Arg136Gln)

Genes: FTCD (formimidoyltransferase cyclodeaminase; minus strand), FTCD-AS1 (FTCD antisense RNA 1; plus strand). Cytogenetic location: 21q22.3.
Variant type: single nucleotide variant.
Coding change: c.407G>A on transcript NM_206965.2 (MANE Select); coding-DNA position 407, G replaced by A.
Protein change: p.Arg136Gln; replaces arginine 136 with glutamine.
Molecular consequence: missense variant.
Genome position (GRCh38, 1-based): chr21:46,151,941, C>T on the plus strand (G>A on the coding strand, the complement: FTCD is on the minus strand). VCF-style: chr21-46151941-C-T. GRCh37 (hg19) VCF-style: chr21-47571855-C-T.
Other names: c.407G>A (NM_001320412.1); c.407G>A, p.Arg136Gln (NM_001320412.2, NM_006657.3); short protein forms R136Q.
Identifiers: ClinVar variation 340436 (VCV000340436.36), dbSNP rs149596485, ClinGen allele CA10073920.

ClinVar aggregate classification (germline): Benign/Likely benign. Review status: criteria provided, multiple submitters, no conflicts (2 of 4 stars). 5 submissions from 5 submitters: Benign (2); Likely benign (3). Last evaluated 2026-01-27.

Conditions:
FTCD-related disorder. Also called: FTCD-related condition.
Glutamate formiminotransferase deficiency. Also called: Arakawa syndrome 1; Formiminoglutamic aciduria. Identifiers: Orphanet 51208, MedGen C0268609, MONDO:0009240, OMIM 229100.
Inborn genetic diseases. Identifiers: MedGen C0950123, MeSH D030342.

Allele frequency attached by ClinVar (database versions not stated): gnomAD exomes 0.00097; ExAC 0.00331; gnomAD 0.00342 and 0.00366; 1000 Genomes Project 0.00359; ESP Exome Variant Server 0.00418; TOPMed 0.00418; 1000 Genomes Project 30x 0.00422.
gnomAD v4.1: 1,189 of 1,572,782 alleles (0.076%); highest among the groups gnomAD compares: African/African-American, 1.1%; 8 homozygotes.

Submissions (5):

Labcorp Genetics (formerly Invitae), Labcorp
Classification: Benign for Glutamate formiminotransferase deficiency. Last evaluated: 2026-01-27. Review status: criteria provided, single submitter. Criteria: Invitae Variant Classification Sherloc (09022015). Collection method: clinical testing. Allele origin: germline.

PreventionGenetics, part of Exact Sciences
Classification: Likely benign for FTCD-related condition. Last evaluated: 2025-06-24. Review status: criteria provided, single submitter. Criteria: ACMG Guidelines, 2015. Collection method: clinical testing. Allele origin: germline.
Comment: This variant is classified as likely benign based on ACMG/AMP sequence variant interpretation guidelines (Richards et al. 2015 PMID: 25741868, with internal and published modifications).

Ambry Genetics
Classification: Likely benign for Inborn genetic diseases. Last evaluated: 2025-01-01. Review status: criteria provided, single submitter. Criteria: Ambry Variant Classification Scheme 2023. Collection method: clinical testing. Allele origin: germline.

CeGaT Center for Human Genetics Tuebingen
Classification: Likely benign. Last evaluated: 2022-04-01. Review status: criteria provided, single submitter. Criteria: CeGaT Center For Human Genetics Tuebingen Variant Classification Criteria Version 2. Collection method: clinical testing. Allele origin: germline. Affected: yes. Observed: 1 variant allele.
Comment: FTCD: BP4, BS1

Breakthrough Genomics
Classification: Benign. Review status: criteria provided, single submitter. Criteria: ACMG Guidelines, 2015. Collection method: not provided. Allele origin: germline. Inheritance: Autosomal recessive inheritance. Affected: yes.